The following is an entry in ClinVar:

NM_015559.3(SETBP1):c.2589G>C (p.Glu863Asp)

Gene: SETBP1 (SET binding protein 1; plus strand). Cytogenetic location: 18q12.3.
Variant type: single nucleotide variant.
Coding change: c.2589G>C on transcript NM_015559.3 (MANE Select); coding-DNA position 2589, G replaced by C.
Protein change: p.Glu863Asp; replaces glutamic acid 863 with aspartic acid.
Molecular consequence: missense variant.
Genome position (GRCh38, 1-based): chr18:44,951,929, G>C. VCF-style: chr18-44951929-G-C. GRCh37 (hg19) VCF-style: chr18-42531894-G-C.
Other names: c.2589G>C, p.Glu863Asp (NM_001379141.1, NM_001379142.1, NM_001410862.1); short protein forms E863D.
Identifiers: ClinVar variation 3665480 (VCV003665480.2).

ClinVar aggregate classification (germline): Uncertain significance (1 of 4 stars; one submission).

Submission:

Labcorp Genetics (formerly Invitae), Labcorp
Classification: Uncertain significance. Last evaluated: 2024-10-27. Review status: criteria provided, single submitter. Criteria: Invitae Variant Classification Sherloc (09022015). Collection method: clinical testing. Allele origin: germline.
Comment: This sequence change replaces glutamic acid, which is acidic and polar, with aspartic acid, which is acidic and polar, at codon 863 of the SETBP1 protein (p.Glu863Asp). This variant is not present in population databases (gnomAD no frequency). This variant has not been reported in the literature in individuals affected with SETBP1-related conditions. Invitae Evidence Modeling of protein sequence and biophysical properties (such as structural, functional, and spatial information, amino acid conservation, physicochemical variation, residue mobility, and thermodynamic stability) indicates that this missense variant is expected to disrupt SETBP1 protein function with a positive predictive value of 80%. In summary, the available evidence is currently insufficient to determine the role of this variant in disease. Therefore, it has been classified as a Variant of Uncertain Significance.